The following is an entry in ClinVar:

ClinVar aggregate classification (germline): Uncertain significance (1 of 4 stars; one submission).

Conditions:
Hereditary cancer-predisposing syndrome. Also called: Neoplastic Syndromes, Hereditary; Tumor predisposition; Hereditary Cancer Syndrome; Hereditary neoplastic syndrome. Identifiers: Orphanet 140162, MedGen C0027672, MeSH D009386, MONDO:0015356.

Submission:

Ambry Genetics
Classification: Uncertain significance for Hereditary cancer-predisposing syndrome. Last evaluated: 2020-07-23. Review status: criteria provided, single submitter. Criteria: Ambry Variant Classification Scheme 2023. Collection method: clinical testing. Allele origin: germline.
Comment: The p.G2383S variant (also known as c.7147G>A), located in coding exon 15 of the APC gene, results from a G to A substitution at nucleotide position 7147. The glycine at codon 2383 is replaced by serine, an amino acid with similar properties. This amino acid position is not well conserved in available vertebrate species. In addition, in silico predictors for this gene do not accurately predict pathogenicity. Since supporting evidence is limited at this time, the clinical significance of this alteration remains unclear.

NM_000038.6(APC):c.7147G>A (p.Gly2383Ser)

Gene: APC (APC regulator of Wnt signaling pathway; plus strand). Cytogenetic location: 5q22.2.
Variant type: single nucleotide variant.
Coding change: c.7147G>A on transcript NM_000038.6 (MANE Select); coding-DNA position 7147, G replaced by A.
Protein change: p.Gly2383Ser; replaces glycine 2383 with serine.
Molecular consequence: missense variant.
Genome position (GRCh38, 1-based): chr5:112,842,741, G>A. VCF-style: chr5-112842741-G-A. GRCh37 (hg19) VCF-style: chr5-112178438-G-A.
Other names: c.7147G>A, p.Gly2383Ser (NM_001127510.3, NM_001354895.2, NM_001407450.1); c.7093G>A, p.Gly2365Ser (NM_001127511.3); c.7201G>A, p.Gly2401Ser (NM_001354896.2, NM_001407447.1, NM_001407448.1 and 1 more transcripts); c.7177G>A, p.Gly2393Ser (NM_001354897.2); c.7072G>A, p.Gly2358Ser (NM_001354898.2); c.7063G>A, p.Gly2355Ser (NM_001354899.2); c.7024G>A, p.Gly2342Ser (NM_001354900.2); c.6970G>A, p.Gly2324Ser (NM_001354901.2, NM_001407453.1); and 11 more; short protein forms G2254S, G2282S, G2292S, G2373S, G2376S, G2401S, G2100S, G2300S.
Identifiers: ClinVar variation 1757365 (VCV001757365.2), dbSNP rs1008025963, ClinGen allele CA16036895.
Genomic context (GRCh38, chr5:112,842,741, plus strand): 5'-AAAATGTCATATACATCTCCAGGTAGACAGATGAGCCAACAGAACCTTACCAAACAAACA[G>A]GTTTATCCAAGAATGCCAGTAGTATTCCAAGAAGTGAGTCTGCCTCCAAAGGACTAAATC-3'
Protein context (NP_000029.2, residues 2373-2393): MSQQNLTKQT[Gly2383Ser]LSKNASSIPR